The following is an entry in ClinVar:

NM_001360.3(DHCR7):c.962A>T (p.Gln321Leu)

Gene: DHCR7 (7-dehydrocholesterol reductase; minus strand). Cytogenetic location: 11q13.4.
Variant type: single nucleotide variant.
Coding change: c.962A>T on transcript NM_001360.3 (MANE Select); coding-DNA position 962, A replaced by T.
Protein change: p.Gln321Leu; replaces glutamine 321 with leucine.
Molecular consequence: missense variant.
Genome position (GRCh38, 1-based): chr11:71,437,813, T>A on the plus strand (A>T on the coding strand, the complement: DHCR7 is on the minus strand). VCF-style: chr11-71437813-T-A. GRCh37 (hg19) VCF-style: chr11-71148859-T-A.
Other names: c.962A>T, p.Gln321Leu (NM_001163817.2); short protein forms Q321L.
Identifiers: ClinVar variation 2506261 (VCV002506261.1), dbSNP rs1255961569, ClinGen allele CA381702877.

ClinVar aggregate classification (germline): Uncertain significance (1 of 4 stars; one submission).

gnomAD v4.1: 1 of 1,613,824 alleles (0.000062%); highest among the groups gnomAD compares: Non-Finnish European, 0.000085%; no homozygotes.

Submission:

Women's Health and Genetics/Laboratory Corporation of America, LabCorp
Classification: Uncertain significance. Last evaluated: 2023-05-23. Review status: criteria provided, single submitter. Criteria: LabCorp Variant Classification Summary - May 2015. Collection method: clinical testing. Allele origin: germline.
Comment: Variant summary: DHCR7 c.962A>T (p.Gln321Leu) results in a non-conservative amino acid change in the encoded protein sequence. Four of five in-silico tools predict a damaging effect of the variant on protein function. Several computational tools predict a significant impact on normal splicing: Four predict the variant weakens a canonical 5' donor site. However, these predictions have yet to be confirmed by functional studies. The variant allele was found at a frequency of 4e-06 in 251072 control chromosomes (gnomAD). The available data on variant occurrences in the general population are insufficient to allow any conclusion about variant significance. c.962A>T has been reported in the literature in a fetus affected with Smith-Lemli-Opitz Syndrome (example: Moosa_2017). To our knowledge, no experimental evidence demonstrating an impact on protein function has been reported. The following publications have been ascertained in the context of this evaluation (PMID: 32304219, 28369852). No clinical diagnostic laboratories have submitted clinical-significance assessments for this variant to ClinVar after 2014. Based on the evidence outlined above, the variant was classified as uncertain significance.

Literature cited by the submitters: PubMed 32304219; PubMed 28369852.